The following is an entry in ClinVar:

NM_001099857.5(IKBKG):c.399+19G>C

Gene: IKBKG (inhibitor of nuclear factor kappa B kinase regulatory subunit gamma; plus strand). Cytogenetic location: Xq28.
Variant type: single nucleotide variant.
Coding change: c.399+19G>C on transcript NM_001099857.5 (MANE Select); 19 bases into the intron after coding-DNA position 399, G replaced by C.
Molecular consequence: intron variant.
Genome position (GRCh38, 1-based): chrX:154,556,395, G>C. VCF-style: chrX-154556395-G-C. GRCh37 (hg19) VCF-style: chrX-153784610-G-C.
Other names: c.399+19G>C (NM_001377312.1, NM_001377313.1, NM_001321396.3 and 5 more transcripts); c.603+19G>C (NM_001099856.6).
Identifiers: ClinVar variation 36381 (VCV000036381.7), dbSNP rs386134239, ClinGen allele CA214034.

ClinVar aggregate classification (germline): Benign. Review status: criteria provided, multiple submitters, no conflicts (2 of 4 stars). 2 submissions from 2 submitters: Benign (2). Last evaluated 2026-01-29.

Allele frequency attached by ClinVar (database versions not stated): gnomAD 0.00223; gnomAD exomes 0.00265; 1000 Genomes Project 30x 0.00583.

Submissions (2):

Women's Health and Genetics/Laboratory Corporation of America, LabCorp
Classification: Benign. Last evaluated: 2026-01-29. Review status: criteria provided, single submitter. Criteria: LabCorp Variant Classification Summary - May 2015. Collection method: clinical testing. Allele origin: germline.
Comment: Variant summary: IKBKG c.399+19G>C alters a nucleotide located at a position not widely known to affect splicing. The variant allele was found at a frequency of 0.0026 in 22289 control chromosomes. The observed variant frequency exceeds the estimated maximal expected allele frequency for disease-causing variants in IKBKG. To our knowledge, no occurrence of c.399+19G>C in individuals affected with IKBKG-related conditions and no experimental evidence demonstrating its impact on protein function have been reported. ClinVar contains an entry for this variant (Variation ID: 36381). Based on the evidence outlined above, the variant was classified as benign.

GeneDx
Classification: Benign. Last evaluated: 2015-03-03. Review status: criteria provided, single submitter. Criteria: GeneDx Variant Classification Process June 2021. Collection method: clinical testing. Allele origin: germline. Affected: yes.